The following is an entry in ClinVar:

NM_032833.5(PPP1R15B):c.710G>A (p.Ser237Asn)

Gene: PPP1R15B (protein phosphatase 1 regulatory subunit 15B; minus strand). Cytogenetic location: 1q32.1.
Variant type: single nucleotide variant.
Coding change: c.710G>A on transcript NM_032833.5 (MANE Select); coding-DNA position 710, G replaced by A.
Protein change: p.Ser237Asn; replaces serine 237 with asparagine.
Molecular consequence: missense variant.
Genome position (GRCh38, 1-based): chr1:204,410,702, C>T on the plus strand (G>A on the coding strand, the complement: PPP1R15B is on the minus strand). VCF-style: chr1-204410702-C-T. GRCh37 (hg19) VCF-style: chr1-204379830-C-T.
Other names: short protein forms S237N.
Identifiers: ClinVar variation 2060911 (VCV002060911.4), dbSNP rs755978433, ClinGen allele CA1346757.

ClinVar aggregate classification (germline): Uncertain significance (1 of 4 stars; one submission).

Allele frequency attached by ClinVar (database versions not stated): ExAC 0.00002; gnomAD 0.00003; TOPMed 0.00003.
gnomAD v4.1: 6 of 1,614,010 alleles (0.00037%); highest among the groups gnomAD compares: African/African-American, 0.0053%; no homozygotes.

Submission:

Labcorp Genetics (formerly Invitae), Labcorp
Classification: Uncertain significance. Last evaluated: 2024-05-15. Review status: criteria provided, single submitter. Criteria: Invitae Variant Classification Sherloc (09022015). Collection method: clinical testing. Allele origin: germline.
Comment: This sequence change replaces serine, which is neutral and polar, with asparagine, which is neutral and polar, at codon 237 of the PPP1R15B protein (p.Ser237Asn). This variant is present in population databases (rs755978433, gnomAD 0.007%). This variant has not been reported in the literature in individuals affected with PPP1R15B-related conditions. ClinVar contains an entry for this variant (Variation ID: 2060911). Advanced modeling of protein sequence and biophysical properties (such as structural, functional, and spatial information, amino acid conservation, physicochemical variation, residue mobility, and thermodynamic stability) performed at Invitae indicates that this missense variant is not expected to disrupt PPP1R15B protein function with a negative predictive value of 80%. In summary, the available evidence is currently insufficient to determine the role of this variant in disease. Therefore, it has been classified as a Variant of Uncertain Significance.